The following is an entry in ClinVar:

ClinVar aggregate classification (germline): Uncertain significance (1 of 4 stars; one submission).

gnomAD v4.1: 8 of 1,614,274 alleles (0.0005%); highest among the groups gnomAD compares: Non-Finnish European, 0.00068%; no homozygotes.

Submission:

Labcorp Genetics (formerly Invitae), Labcorp
Classification: Uncertain significance. Last evaluated: 2025-12-22. Review status: criteria provided, single submitter. Criteria: Invitae Variant Classification Sherloc (09022015). Collection method: clinical testing. Allele origin: germline.
Comment: This sequence change affects codon 409 of the MOCS3 mRNA. It is a 'silent' change, meaning that it does not change the encoded amino acid sequence of the MOCS3 protein. This variant is present in population databases (no rsID available, gnomAD 0.0009%). This variant has not been reported in the literature in individuals affected with MOCS3-related conditions. In summary, the available evidence is currently insufficient to determine the role of this variant in disease. Therefore, it has been classified as a Variant of Uncertain Significance.

NM_014484.5(MOCS3):c.1227T>C (p.Tyr409=)

Gene: MOCS3 (molybdenum cofactor synthesis 3; plus strand). Cytogenetic location: 20q13.13.
Variant type: single nucleotide variant.
Coding change: c.1227T>C on transcript NM_014484.5 (MANE Select); coding-DNA position 1227, T replaced by C.
Protein change: p.Tyr409=; no amino-acid change (tyrosine 409 retained).
Molecular consequence: synonymous variant.
Genome position (GRCh38, 1-based): chr20:50,960,069, T>C. VCF-style: chr20-50960069-T-C. GRCh37 (hg19) VCF-style: chr20-49576606-T-C.
Identifiers: ClinVar variation 4778151 (VCV004778151.1).